The following is an entry in ClinVar:

NM_000548.5(TSC2):c.5396C>T (p.Ser1799Leu)

Gene: TSC2 (TSC complex subunit 2; plus strand). Cytogenetic location: 16p13.3.
Variant type: single nucleotide variant.
Coding change: c.5396C>T on transcript NM_000548.5 (MANE Select); coding-DNA position 5396, C replaced by T.
Protein change: p.Ser1799Leu; replaces serine 1799 with leucine.
Molecular consequence: missense variant.
Genome position (GRCh38, 1-based): chr16:2,088,582, C>T. VCF-style: chr16-2088582-C-T. GRCh37 (hg19) VCF-style: chr16-2138583-C-T.
Other names: c.5264C>T, p.Ser1755Leu (NM_001370404.1); c.5255C>T, p.Ser1752Leu (NM_001370405.1); c.5267C>T, p.Ser1756Leu (NM_021055.3); c.5396C>T (NM_000548.4); c.5195C>T, p.Ser1732Leu (NM_001077183.3); c.5327C>T, p.Ser1776Leu (NM_001114382.3); c.5087C>T, p.Ser1696Leu (NM_001318827.2); c.5051C>T, p.Ser1684Leu (NM_001318829.2); and 3 more; short protein forms S1799L, S1743L, S1684L, S1696L, S1555L, S1733L, S1755L, S1732L.
Identifiers: ClinVar variation 450528 (VCV000450528.23), dbSNP rs778484981, ClinGen allele CA055299.

ClinVar aggregate classification (germline): Conflicting classifications of pathogenicity. Review status: criteria provided, conflicting classifications (1 of 4 stars). 7 submissions from 7 submitters: Uncertain significance (2); Likely benign (4). 1 of the submissions does not count toward it. Last evaluated 2025-12-21.

Conditions:
TSC2-related disorder. Also called: TSC2-related condition; TSC2-Related Disorders.
Hereditary cancer-predisposing syndrome. Also called: Tumor predisposition; Hereditary Cancer Syndrome; Neoplastic Syndromes, Hereditary; Hereditary neoplastic syndrome. Identifiers: Orphanet 140162, MedGen C0027672, MeSH D009386, MONDO:0015356.
Tuberous sclerosis syndrome (TSC). Also called: Tuberous sclerosis; Tuberous Sclerosis Complex. Identifiers: Orphanet 805, MedGen C0041341, MONDO:0001734.
Tuberous sclerosis 2 (TSC2). Identifiers: Orphanet 805, MedGen C1860707, MONDO:0013199, OMIM 613254.

Allele frequency attached by ClinVar (database versions not stated): TOPMed 0.00001; gnomAD exomes 0.00002; ExAC 0.00003.
gnomAD v4.1: 23 of 1,607,838 alleles (0.0014%); highest among the groups gnomAD compares: Non-Finnish European, 0.0018%; no homozygotes.

Submissions (7):

Labcorp Genetics (formerly Invitae), Labcorp
Classification: Likely benign for Tuberous sclerosis 2. Last evaluated: 2025-12-21. Review status: criteria provided, single submitter. Criteria: Invitae Variant Classification Sherloc (09022015). Collection method: clinical testing. Allele origin: germline.

All of Us Research Program, National Institutes of Health
Classification: Uncertain significance for Tuberous sclerosis syndrome. Last evaluated: 2024-08-13. Review status: criteria provided, single submitter. Criteria: ACMG Guidelines, 2015. Collection method: clinical testing. Allele origin: germline. Inheritance: Autosomal dominant inheritance. Observed: 6 variant alleles, 6 heterozygotes.
Comment: This missense variant replaces serine with leucine at codon 1799 of the TSC2 protein. Computational prediction is inconclusive regarding the impact of this variant on protein structure and function (internally defined REVEL score threshold 0.5 < inconclusive < 0.7, PMID: 27666373). To our knowledge, functional studies have not been reported for this variant. This variant has not been reported in individuals affected with TSC2-related disorders in the literature. This variant has been identified in 6/244600 chromosomes in the general population by the Genome Aggregation Database (gnomAD). The available evidence is insufficient to determine the role of this variant in disease conclusively. Therefore, this variant is classified as a Variant of Uncertain Significance.

This study involves interpretation of variants in research participants for the purpose of population health screening. Participant phenotype was not available at the time of variant classification. Additional details can be found in publication PMID: 35346344, PMCID: PMC8962531

Color Diagnostics, LLC DBA Color Health
Classification: Uncertain significance for Tuberous sclerosis syndrome. Last evaluated: 2024-07-31. Review status: criteria provided, single submitter. Criteria: ACMG Guidelines, 2015. Collection method: clinical testing. Allele origin: germline.
Comment: This missense variant replaces serine with leucine at codon 1799 of the TSC2 protein. Computational prediction is inconclusive regarding the impact of this variant on protein structure and function. To our knowledge, functional studies have not been reported for this variant. This variant has not been reported in individuals affected with TSC2-related disorders in the literature. This variant has been identified in 6/244600 chromosomes in the general population by the Genome Aggregation Database (gnomAD). The available evidence is insufficient to determine the role of this variant in disease conclusively. Therefore, this variant is classified as a Variant of Uncertain Significance.

Ambry Genetics
Classification: Likely benign for Hereditary cancer-predisposing syndrome. Last evaluated: 2023-04-12. Review status: criteria provided, single submitter. Criteria: Ambry Variant Classification Scheme 2023. Collection method: clinical testing. Allele origin: germline.

Genome-Nilou Lab
Classification: Likely benign for Tuberous sclerosis 2. Last evaluated: 2021-11-07. Review status: criteria provided, single submitter. Criteria: ACMG Guidelines, 2015. Collection method: clinical testing. Allele origin: germline. Affected: no.

GeneDx
Classification: Likely benign. Last evaluated: 2018-01-23. Review status: criteria provided, single submitter. Criteria: GeneDx Variant Classification (06012015). Collection method: clinical testing. Allele origin: germline. Affected: yes.
Comment: This variant is considered likely benign or benign based on one or more of the following criteria: it is a conservative change, it occurs at a poorly conserved position in the protein, it is predicted to be benign by multiple in silico algorithms, and/or has population frequency not consistent with disease.

PreventionGenetics, part of Exact Sciences
Classification: Likely benign for TSC2-related condition. Last evaluated: 2023-03-14. Review status: no assertion criteria provided. Collection method: clinical testing. Allele origin: germline. Not counted in ClinVar's aggregate classification.
Comment: This variant is classified as likely benign based on ACMG/AMP sequence variant interpretation guidelines (Richards et al. 2015 PMID: 25741868, with internal and published modifications).